The following is an entry in ClinVar:

ClinVar aggregate classification (germline): Uncertain significance. Review status: criteria provided, multiple submitters, no conflicts (2 of 4 stars). 2 submissions from 2 submitters: Uncertain significance (2). Last evaluated 2025-10-23.

Conditions:
Atypical glycine encephalopathy. Also called: Glycine encephalopathy with normal serum glycine. Identifiers: Orphanet 289863, MedGen C4310943, MONDO:0015010, OMIM 617301.
Inborn genetic diseases. Identifiers: MedGen C0950123, MeSH D030342.

Allele frequency attached by ClinVar (database versions not stated): TOPMed 0.00001; gnomAD 0.00002 and 0.00003; gnomAD exomes 0.00003 and 0.00006; ExAC 0.00009; 1000 Genomes Project 30x 0.00031; 1000 Genomes Project 0.00040.
gnomAD v4.1: 54 of 1,605,100 alleles (0.0034%); highest among the groups gnomAD compares: Admixed American, 0.014%; no homozygotes.

Submissions (2):

Ambry Genetics
Classification: Uncertain significance for Inborn genetic diseases. Last evaluated: 2025-10-23. Review status: criteria provided, single submitter. Criteria: Ambry Variant Classification Scheme 2023. Collection method: clinical testing. Allele origin: germline.

Labcorp Genetics (formerly Invitae), Labcorp
Classification: Uncertain significance for Atypical glycine encephalopathy. Last evaluated: 2021-09-15. Review status: criteria provided, single submitter. Criteria: Invitae Variant Classification Sherloc (09022015). Collection method: clinical testing. Allele origin: germline.
Comment: In summary, the available evidence is currently insufficient to determine the role of this variant in disease. Therefore, it has been classified as a Variant of Uncertain Significance. Algorithms developed to predict the effect of missense changes on protein structure and function (SIFT, PolyPhen-2, Align-GVGD) all suggest that this variant is likely to be tolerated. This variant has not been reported in the literature in individuals affected with SLC6A9-related conditions. This variant is present in population databases (rs202056254, ExAC 0.01%). This sequence change replaces alanine with valine at codon 9 of the SLC6A9 protein (p.Ala9Val). The alanine residue is weakly conserved and there is a small physicochemical difference between alanine and valine.

NM_001024845.3(SLC6A9):c.31-6226C>T

Gene: SLC6A9 (solute carrier family 6 member 9; minus strand). Cytogenetic location: 1p34.1.
Variant type: single nucleotide variant.
Coding change: c.31-6226C>T on transcript NM_001024845.3 (MANE Select); 6226 bases into the intron before coding-DNA position 31, C replaced by T.
Molecular consequence: intron variant. On other transcripts: missense variant (3), synonymous variant (2), non-coding transcript variant (1).
Genome position (GRCh38, 1-based): chr1:44,017,108, G>A on the plus strand (C>T on the coding strand, the complement: SLC6A9 is on the minus strand). VCF-style: chr1-44017108-G-A. GRCh37 (hg19) VCF-style: chr1-44482780-G-A.
Other names: c.26C>T (NM_201649.2); c.26C>T, p.Ala9Val (NM_001261380.2, NM_006934.4, NM_201649.4); c.63C>T, p.Cys21= (NM_001328627.1, NM_001328628.1); c.-15+7140C>T (NM_001328630.2, NM_001328626.2); c.31-6226C>T (NM_001328629.1); short protein forms A9V.
Identifiers: ClinVar variation 1417173 (VCV001417173.7), dbSNP rs202056254, ClinGen allele CA817982.